The following is an entry in ClinVar:

NM_020461.4(TUBGCP6):c.3170C>T (p.Ser1057Phe)

Gene: TUBGCP6 (tubulin gamma complex component 6; minus strand). Cytogenetic location: 22q13.33.
Variant type: single nucleotide variant.
Coding change: c.3170C>T on transcript NM_020461.4 (MANE Select); coding-DNA position 3170, C replaced by T.
Protein change: p.Ser1057Phe; replaces serine 1057 with phenylalanine.
Molecular consequence: missense variant.
Genome position (GRCh38, 1-based): chr22:50,221,189, G>A on the plus strand (C>T on the coding strand, the complement: TUBGCP6 is on the minus strand). VCF-style: chr22-50221189-G-A. GRCh37 (hg19) VCF-style: chr22-50659618-G-A.
Other names: short protein forms S1057F.
Identifiers: ClinVar variation 1947908 (VCV001947908.2), dbSNP rs753385673, ClinGen allele CA10308030.

ClinVar aggregate classification (germline): Uncertain significance (1 of 4 stars; one submission).

Allele frequency attached by ClinVar (database versions not stated): gnomAD 0.00001; gnomAD exomes 0.00001; TOPMed 0.00001; ExAC 0.00002.
gnomAD v4.1: 23 of 1,608,232 alleles (0.0014%); highest among the groups gnomAD compares: Admixed American, 0.0034%; 1 homozygote.

Submission:

Labcorp Genetics (formerly Invitae), Labcorp
Classification: Uncertain significance. Last evaluated: 2022-08-20. Review status: criteria provided, single submitter. Criteria: Invitae Variant Classification Sherloc (09022015). Collection method: clinical testing. Allele origin: germline.
Comment: This sequence change replaces serine, which is neutral and polar, with phenylalanine, which is neutral and non-polar, at codon 1057 of the TUBGCP6 protein (p.Ser1057Phe). This variant is present in population databases (rs753385673, gnomAD 0.006%). This variant has not been reported in the literature in individuals affected with TUBGCP6-related conditions. Algorithms developed to predict the effect of missense changes on protein structure and function are either unavailable or do not agree on the potential impact of this missense change (SIFT: "Tolerated"; PolyPhen-2: "Probably Damaging"; Align-GVGD: "Class C0"). In summary, the available evidence is currently insufficient to determine the role of this variant in disease. Therefore, it has been classified as a Variant of Uncertain Significance.